The following is an entry in ClinVar:

ClinVar aggregate classification (germline): Conflicting classifications of pathogenicity. Review status: criteria provided, conflicting classifications (1 of 4 stars). 2 submissions from 2 submitters: Uncertain significance (1); Likely benign (1). Last evaluated 2026-01-01.

Conditions:
Intellectual developmental disorder, autosomal dominant 65. Also called: MENTAL RETARDATION, AUTOSOMAL DOMINANT 65. Identifiers: MedGen C5543371, MONDO:0023657, OMIM 619320.

Submissions (2):

CeGaT Center for Human Genetics Tuebingen
Classification: Likely benign. Last evaluated: 2026-01-01. Review status: criteria provided, single submitter. Criteria: CeGaT Center For Human Genetics Tuebingen Variant Classification Criteria Version 2. Collection method: clinical testing. Allele origin: germline. Affected: yes. Observed: 2 variant alleles.
Comment: KDM4B: BS2

ARUP Laboratories, Molecular Genetics and Genomics, ARUP Laboratories
Classification: Uncertain significance for Intellectual developmental disorder, autosomal dominant 65. Last evaluated: 2023-11-08. Review status: criteria provided, single submitter. Criteria: ARUP Molecular Germline Variant Investigation Process 2024. Collection method: clinical testing. Allele origin: germline.

NM_015015.3(KDM4B):c.1401_1402insGGG (p.Pro467_Pro468insGly)

Gene: KDM4B (lysine demethylase 4B; plus strand). Cytogenetic location: 19p13.3.
Variant type: Insertion.
Coding change: c.1401_1402insGGG on transcript NM_015015.3 (MANE Select); coding-DNA positions 1401 to 1402, GGG inserted.
Protein change: p.Pro467_Pro468insGly.
Molecular consequence: inframe insertion.
Genome position: GRCh38 VCF-style: chr19-5131160-C-CGGG. GRCh37 (hg19) VCF-style: chr19-5131171-C-CGGG.
Other names: c.1503_1504insGGG, p.Pro501_Pro502insGly (NM_001411148.1).
Identifiers: ClinVar variation 2649098 (VCV002649098.25), dbSNP rs772198378, ClinGen allele CA9107827.
Genomic context (GRCh38, chr19:5,131,160, plus strand): 5'-CAACCAAGGCCAAGAGCGAGCGGAAGAAGAAGAGCTTCGGCCTGCTGCCCCCACAGCTGC[C>CGGG]GCCCCCGCCTGCTCACTTCCCCTCAGAGGAGGCGCTGTGGCTGCCATCCCCACTGGAGCC-3'